The following is an entry in ClinVar:

ClinVar aggregate classification (germline): Uncertain significance (1 of 4 stars; one submission).

Allele frequency attached by ClinVar (database versions not stated): gnomAD exomes below 0.00001.
gnomAD v4.1: 1 of 1,613,894 alleles (0.000062%); highest among the groups gnomAD compares: East Asian, 0.0022%; no homozygotes.

Submission:

Labcorp Genetics (formerly Invitae), Labcorp
Classification: Uncertain significance. Last evaluated: 2022-08-16. Review status: criteria provided, single submitter. Criteria: Invitae Variant Classification Sherloc (09022015). Collection method: clinical testing. Allele origin: germline.
Comment: This variant has not been reported in the literature in individuals affected with XPR1-related conditions. This variant is present in population databases (no rsID available, gnomAD 0.006%). This sequence change replaces serine, which is neutral and polar, with arginine, which is basic and polar, at codon 497 of the XPR1 protein (p.Ser497Arg). Algorithms developed to predict the effect of missense changes on protein structure and function (SIFT, PolyPhen-2, Align-GVGD) all suggest that this variant is likely to be tolerated. In summary, the available evidence is currently insufficient to determine the role of this variant in disease. Therefore, it has been classified as a Variant of Uncertain Significance.

NM_004736.4(XPR1):c.1491C>A (p.Ser497Arg)

Gene: XPR1 (xenotropic and polytropic retrovirus receptor 1; plus strand). Cytogenetic location: 1q25.3.
Variant type: single nucleotide variant.
Coding change: c.1491C>A on transcript NM_004736.4 (MANE Select); coding-DNA position 1491, C replaced by A.
Protein change: p.Ser497Arg; replaces serine 497 with arginine.
Molecular consequence: missense variant. On other transcripts: intron variant (1).
Genome position (GRCh38, 1-based): chr1:180,836,706, C>A. VCF-style: chr1-180836706-C-A. GRCh37 (hg19) VCF-style: chr1-180805842-C-A.
Other names: c.1491C>A, p.Ser497Arg (NM_001328662.2); c.1306+1661C>A (NM_001135669.2); short protein forms S497R.
Identifiers: ClinVar variation 2112100 (VCV002112100.4), dbSNP rs1231233071, ClinGen allele CA343841395.